The following is an entry in ClinVar:

NM_014244.5(ADAMTS2):c.90_91insTATAAGAGACAGT (p.Pro31fs)

Gene: ADAMTS2 (ADAM metallopeptidase with thrombospondin type 1 motif 2; minus strand). Cytogenetic location: 5q35.3.
Variant type: Insertion.
Coding change: c.90_91insTATAAGAGACAGT on transcript NM_014244.5 (MANE Select); coding-DNA positions 90 to 91, TATAAGAGACAGT inserted.
Protein change: p.Pro31fs; shifts the reading frame from proline 31.
Molecular consequence: frameshift variant.
Genome position: GRCh38 VCF-style: chr5-179345238-G-GACTGTCTCTTATA. GRCh37 (hg19) VCF-style: chr5-178772239-G-GACTGTCTCTTATA.
Other names: c.90_91insTATAAGAGACAGT, p.Pro31fs (NM_021599.4); short protein forms P31fs.
Identifiers: ClinVar variation 5016398 (VCV005016398.1).

ClinVar aggregate classification (germline): Pathogenic (1 of 4 stars; one submission).

Conditions:
Ehlers-Danlos syndrome, dermatosparaxis type. Also called: EDS VIIC; Dermatosparaxis; Ehlers-Danlos syndrome, type VII, autosomal recessive. Identifiers: Orphanet 1901, MedGen C2700425, MONDO:0009161, OMIM 225410.

Submission:

Myriad Genetics, Inc.
Classification: Pathogenic for Ehlers-Danlos syndrome, dermatosparaxis type. Last evaluated: 2024-05-14. Review status: criteria provided, single submitter. Criteria: Myriad Autosomal Dominant, Autosomal Recessive and X-Linked Classification Criteria (2023). Collection method: clinical testing. Allele origin: unknown.
Comment: NM_014244.4(ADAMTS2):c.90_91ins13(P31Yfs*39) is expected to be pathogenic in the context of Ehlers-Danlos syndrome, ADAMTS2-related. This variant is predicted to lead to an abnormal or absent protein product due to the creation of a premature termination codon in ADAMTS2, a gene where loss-of-function variants are known to be pathogenic. Please note: this variant was assessed in the context of healthy population screening.